The following is an entry in ClinVar:

NM_001849.4(COL6A2):c.2560_2569dup (p.Glu857fs)

Gene: COL6A2 (collagen type VI alpha 2 chain; plus strand). Cytogenetic location: 21q22.3.
Variant type: Duplication.
Coding change: c.2560_2569dup on transcript NM_001849.4 (MANE Select); coding-DNA positions 2560 to 2569, 10 bases duplicated (CGCTTCGTGG; older notation c.2560_2569dupCGCTTCGTGG).
Protein change: p.Glu857fs; shifts the reading frame from glutamic acid 857.
Molecular consequence: frameshift variant.
Genome position (GRCh38, 1-based): chr21:46,132,052-46,132,061, CGCTTCGTGG duplicated; duplicating any 10 consecutive bases within chr21:46,132,050-46,132,061 gives the same sequence; the c. name uses the placement nearest the transcript's 3' end. VCF-style (leftmost placement, unchanged base first): chr21-46132049-C-CGGCGCTTCGT. GRCh37 (hg19) VCF-style: chr21-47551963-C-CGGCGCTTCGT.
Other names: short protein forms E857fs.
Identifiers: ClinVar variation 1073909 (VCV001073909.12), dbSNP rs2123454645, ClinGen allele CA2499226000.
Genomic context (GRCh38, chr21:46,132,049, plus strand): 5'-GACATCGTCTTCCTGCTGGACGGCTCCGAGCGGCTGGGTGAGCAGAACTTCCACAAGGCC[C>CGGCGCTTCGT]GGCGCTTCGTGGAGCAGGTGGCGCGGCGGCTGACGCTGGCCCGGAGGGACGACGACCCTC-3'

ClinVar aggregate classification (germline): Pathogenic (1 of 4 stars; one submission).

Conditions:
Bethlem myopathy 1A. Also called: MYOPATHY, BENIGN CONGENITAL, WITH CONTRACTURES; Bethlem Muscular Dystrophy; Bethlem myopathy 1. Identifiers: Orphanet 610, MedGen CN029274, MONDO:0024530, OMIM 158810.

Submission:

Labcorp Genetics (formerly Invitae), Labcorp
Classification: Pathogenic for Bethlem myopathy 1A. Last evaluated: 2022-06-20. Review status: criteria provided, single submitter. Criteria: Invitae Variant Classification Sherloc (09022015). Collection method: clinical testing. Allele origin: germline.
Comment: For these reasons, this variant has been classified as Pathogenic. This variant disrupts a region of the COL6A2 protein in which other variant(s) (p.Tyr1002*) have been determined to be pathogenic (PMID: 29419890). This suggests that this is a clinically significant region of the protein, and that variants that disrupt it are likely to be disease-causing. ClinVar contains an entry for this variant (Variation ID: 1073909). This variant has not been reported in the literature in individuals affected with COL6A2-related conditions. This variant is not present in population databases (gnomAD no frequency). This sequence change creates a premature translational stop signal (p.Glu857Alafs*139) in the COL6A2 gene. While this is not anticipated to result in nonsense mediated decay, it is expected to disrupt the last 163 amino acid(s) of the COL6A2 protein.

Literature cited by the submitters: PubMed 29419890.